The following is an entry in ClinVar:

NM_003500.4(ACOX2):c.517G>A (p.Ala173Thr)

Gene: ACOX2 (acyl-CoA oxidase 2; minus strand). Cytogenetic location: 3p14.3.
Variant type: single nucleotide variant.
Coding change: c.517G>A on transcript NM_003500.4 (MANE Select); coding-DNA position 517, G replaced by A.
Protein change: p.Ala173Thr; replaces alanine 173 with threonine.
Molecular consequence: missense variant.
Genome position (GRCh38, 1-based): chr3:58,533,511, C>T on the plus strand (G>A on the coding strand, the complement: ACOX2 is on the minus strand). VCF-style: chr3-58533511-C-T. GRCh37 (hg19) VCF-style: chr3-58519238-C-T.
Other names: short protein forms A173T.
Identifiers: ClinVar variation 2755210 (VCV002755210.3), dbSNP rs145801962, ClinGen allele CA2472373.

ClinVar aggregate classification (germline): Uncertain significance (1 of 4 stars; one submission).

Allele frequency attached by ClinVar (database versions not stated): ESP Exome Variant Server 0.00008; ExAC 0.00019; gnomAD exomes 0.00004; gnomAD 0.00006; TOPMed 0.00008.
gnomAD v4.1: 64 of 1,613,802 alleles (0.004%); highest among the groups gnomAD compares: Admixed American, 0.098%; no homozygotes.

Submission:

Labcorp Genetics (formerly Invitae), Labcorp
Classification: Uncertain significance. Last evaluated: 2026-01-20. Review status: criteria provided, single submitter. Criteria: Invitae Variant Classification Sherloc (09022015). Collection method: clinical testing. Allele origin: germline.
Comment: This sequence change replaces alanine, which is neutral and non-polar, with threonine, which is neutral and polar, at codon 173 of the ACOX2 protein (p.Ala173Thr). This variant is present in population databases (rs145801962, gnomAD 0.1%), and has an allele count higher than expected for a pathogenic variant. This variant has not been reported in the literature in individuals affected with ACOX2-related conditions. ClinVar contains an entry for this variant (Variation ID: 2755210). Invitae Evidence Modeling of protein sequence and biophysical properties (such as structural, functional, and spatial information, amino acid conservation, physicochemical variation, residue mobility, and thermodynamic stability) indicates that this missense variant is not expected to disrupt ACOX2 protein function with a negative predictive value of 80%. In summary, the available evidence is currently insufficient to determine the role of this variant in disease. Therefore, it has been classified as a Variant of Uncertain Significance.